The following is an entry in ClinVar:

NM_001039591.3(USP9X):c.3382A>T (p.Ser1128Cys)

Gene: USP9X (ubiquitin specific peptidase 9 X-linked; plus strand). Cytogenetic location: Xp11.4.
Variant type: single nucleotide variant.
Coding change: c.3382A>T on transcript NM_001039591.3 (MANE Select); coding-DNA position 3382, A replaced by T.
Protein change: p.Ser1128Cys; replaces serine 1128 with cysteine.
Molecular consequence: missense variant.
Genome position (GRCh38, 1-based): chrX:41,184,499, A>T. VCF-style: chrX-41184499-A-T. GRCh37 (hg19) VCF-style: chrX-41043752-A-T.
Other names: c.3382A>T, p.Ser1128Cys (NM_001039590.3); short protein forms S1128C.
Identifiers: ClinVar variation 1050115 (VCV001050115.6), dbSNP rs1274391019, ClinGen allele CA412764593.

ClinVar aggregate classification (germline): Uncertain significance. Review status: criteria provided, multiple submitters, no conflicts (2 of 4 stars). 3 submissions from 3 submitters: Uncertain significance (2). 1 of the submissions does not count toward it. Last evaluated 2023-03-14.

Conditions:
Inborn genetic diseases. Identifiers: MedGen C0950123, MeSH D030342.
Intellectual developmental disorder, X-linked 99. Also called: Intellectual disability, X-linked 99. Identifiers: Orphanet 777, MedGen C3806746, MONDO:0010487, OMIM 300919.

Allele frequency attached by ClinVar (database versions not stated): gnomAD exomes 0.00001.
gnomAD v4.1: 3 of 1,210,923 alleles (0.00025%); highest among the groups gnomAD compares: Admixed American, 0.0022%; no homozygotes.

Submissions (3):

Ambry Genetics
Classification: Uncertain significance for Inborn genetic diseases. Last evaluated: 2023-03-14. Review status: criteria provided, single submitter. Criteria: Ambry Variant Classification Scheme 2023. Collection method: clinical testing. Allele origin: germline.

Genetics and Molecular Pathology, SA Pathology
Classification: Uncertain significance for Intellectual developmental disorder, X-linked 99. Last evaluated: 2020-08-20. Review status: criteria provided, single submitter. Criteria: ACMG Guidelines, 2015. Collection method: clinical testing. Allele origin: germline. Affected: yes.

Department of Pathology and Laboratory Medicine, Sinai Health System
Classification: Uncertain significance. Review status: no assertion criteria provided. Collection method: clinical testing. Allele origin: unknown. Affected: yes. Study: The Canadian Open Genetics Repository (COGR). Not counted in ClinVar's aggregate classification.
Comment: The USP9X p.Ser1128Cys variant was not identified in the literature nor was it identified in ClinVar or LOVD 3.0. The variant was identified in dbSNP (ID: rs1274391019) and in control databases in 2 of 182197 chromosomes (1 hemizygous) at a frequency of 0.000011 (Genome Aggregation Database March 6, 2019, v2.1.1). The variant was observed in the European (non-Finnish) population in 2 of 81537 chromosomes (freq: 0.00002453), but was not observed in the African, Latino, Ashkenazi Jewish, East Asian, European (Finnish), Other or South Asian populations. The p.Ser1128 residue is conserved in mammals but not in more distantly related organisms, and four out of five computational analyses (PolyPhen-2, SIFT, AlignGVGD, BLOSUM, MutationTaster) suggest that the variant may impact the protein; however, this information is not predictive enough to assume pathogenicity. The variant occurs outside of the splicing consensus sequence and two of four in silico or computational prediction software programs (SpliceSiteFinder, MaxEntScan, NNSPLICE, GeneSplicer) predict a greater than 10% difference in splicing. However, this information is not predictive enough to assume pathogenicity. In summary, based on the above information the clinical significance of this variant cannot be determined with certainty at this time. This variant is classified as a variant of uncertain significance.